The following is an entry in ClinVar:

ClinVar aggregate classification (germline): Uncertain significance. Review status: criteria provided, multiple submitters, no conflicts (2 of 4 stars). 3 submissions from 3 submitters: Uncertain significance (2). 1 of the submissions does not count toward it. Last evaluated 2025-09-24.

Conditions:
Retinal dystrophy. Also called: Inherited retinal dystrophy. Identifiers: Orphanet 71862, MedGen C0854723, MeSH D058499, MONDO:0019118, HP:0000556.
Inborn genetic diseases. Identifiers: MedGen C0950123, MeSH D030342.

Allele frequency attached by ClinVar (database versions not stated): TOPMed below 0.00001; gnomAD 0.00001; gnomAD exomes 0.00002; ExAC 0.00003.
gnomAD v4.1: 28 of 1,613,944 alleles (0.0017%); highest among the groups gnomAD compares: Middle Eastern, 0.049%; no homozygotes.

Submissions (3):

Ambry Genetics
Classification: Uncertain significance for Inborn genetic diseases. Last evaluated: 2025-09-24. Review status: criteria provided, single submitter. Criteria: Ambry Variant Classification Scheme 2023. Collection method: clinical testing. Allele origin: germline.

Labcorp Genetics (formerly Invitae), Labcorp
Classification: Uncertain significance. Last evaluated: 2025-01-27. Review status: criteria provided, single submitter. Criteria: Invitae Variant Classification Sherloc (09022015). Collection method: clinical testing. Allele origin: germline.
Comment: This sequence change replaces isoleucine, which is neutral and non-polar, with methionine, which is neutral and non-polar, at codon 77 of the GNAT1 protein (p.Ile77Met). This variant is present in population databases (rs754189877, gnomAD 0.006%). This variant has not been reported in the literature in individuals affected with GNAT1-related conditions. ClinVar contains an entry for this variant (Variation ID: 1015231). Invitae Evidence Modeling of protein sequence and biophysical properties (such as structural, functional, and spatial information, amino acid conservation, physicochemical variation, residue mobility, and thermodynamic stability) indicates that this missense variant is not expected to disrupt GNAT1 protein function with a negative predictive value of 80%. In summary, the available evidence is currently insufficient to determine the role of this variant in disease. Therefore, it has been classified as a Variant of Uncertain Significance.

Institute of Human Genetics, Univ. Regensburg, Univ. Regensburg
Classification: Uncertain significance for Retinal dystrophy. Last evaluated: 2023-01-01. Review status: no assertion criteria provided. Criteria: ACMG Guidelines, 2015. Collection method: clinical testing. Allele origin: germline. Affected: yes. Not counted in ClinVar's aggregate classification.

NM_144499.3(GNAT1):c.231C>G (p.Ile77Met)

Gene: GNAT1 (G protein subunit alpha transducin 1; plus strand). Cytogenetic location: 3p21.31.
Variant type: single nucleotide variant.
Coding change: c.231C>G on transcript NM_144499.3 (MANE Select); coding-DNA position 231, C replaced by G.
Protein change: p.Ile77Met; replaces isoleucine 77 with methionine.
Molecular consequence: missense variant.
Genome position (GRCh38, 1-based): chr3:50,193,346, C>G. VCF-style: chr3-50193346-C-G. GRCh37 (hg19) VCF-style: chr3-50230779-C-G.
Other names: c.231C>G (NM_144499.2); c.231C>G, p.Ile77Met (NM_000172.4); short protein forms I77M.
Identifiers: ClinVar variation 1015231 (VCV001015231.7), dbSNP rs754189877, ClinGen allele CA2412486.